The following is an entry in ClinVar:

NM_012463.4(ATP6V0A2):c.1247G>A (p.Gly416Glu)

Gene: ATP6V0A2 (ATPase H+ transporting V0 subunit a2; plus strand). Cytogenetic location: 12q24.31.
Variant type: single nucleotide variant.
Coding change: c.1247G>A on transcript NM_012463.4 (MANE Select); coding-DNA position 1247, G replaced by A.
Protein change: p.Gly416Glu; replaces glycine 416 with glutamic acid.
Molecular consequence: missense variant.
Genome position (GRCh38, 1-based): chr12:123,744,258, G>A. VCF-style: chr12-123744258-G-A. GRCh37 (hg19) VCF-style: chr12-124228805-G-A.
Other names: short protein forms G416E.
Identifiers: ClinVar variation 1473904 (VCV001473904.5), dbSNP rs770611939, ClinGen allele CA6861887.
Genomic context (GRCh38, chr12:123,744,258, plus strand): 5'-CAGCTCTCTTTACCATCATCACCTTCCCGTTTTTATTTGCTGTGATGTTTGGAGACTTCG[G>A]ACATGGCTTTGTGATGTTTTTATTTGCCCTCTTGTTGGTGTTAAATGAAAATCATCCCAG-3'
Protein context (NP_036595.2, residues 406-426): FLFAVMFGDF[Gly416Glu]HGFVMFLFAL

ClinVar aggregate classification (germline): Uncertain significance (1 of 4 stars; one submission).

Conditions:
ALG9 congenital disorder of glycosylation (CDG1L). Also called: ALG9-CDG; CONGENITAL DISORDER OF GLYCOSYLATION, TYPE Il; CDG Il. Identifiers: Orphanet 79328, MedGen C2931006, MONDO:0012117, OMIM 608776.

Allele frequency attached by ClinVar (database versions not stated): gnomAD exomes below 0.00001; TOPMed below 0.00001; ExAC 0.00001; gnomAD 0.00001.
gnomAD v4.1: 6 of 1,614,020 alleles (0.00037%); highest among the groups gnomAD compares: Non-Finnish European, 0.00051%; no homozygotes.

Submission:

Labcorp Genetics (formerly Invitae), Labcorp
Classification: Uncertain significance for ALG9 congenital disorder of glycosylation. Last evaluated: 2021-08-26. Review status: criteria provided, single submitter. Criteria: Invitae Variant Classification Sherloc (09022015). Collection method: clinical testing. Allele origin: germline.
Comment: This sequence change replaces glycine with glutamic acid at codon 416 of the ATP6V0A2 protein (p.Gly416Glu). The glycine residue is highly conserved and there is a moderate physicochemical difference between glycine and glutamic acid. This variant is present in population databases (rs770611939, ExAC 0.001%). This variant has not been reported in the literature in individuals affected with ATP6V0A2-related conditions. Algorithms developed to predict the effect of missense changes on protein structure and function are either unavailable or do not agree on the potential impact of this missense change (SIFT: "Deleterious"; PolyPhen-2: "Probably Damaging"; Align-GVGD: "Class C15"). In summary, the available evidence is currently insufficient to determine the role of this variant in disease. Therefore, it has been classified as a Variant of Uncertain Significance.